The following is an entry in ClinVar:

ClinVar aggregate classification (germline): Conflicting classifications of pathogenicity. Review status: criteria provided, conflicting classifications (1 of 4 stars). 2 submissions from 2 submitters: Uncertain significance (1); Likely benign (1). Last evaluated 2025-06-03.

Conditions:
Inborn genetic diseases. Identifiers: MedGen C0950123, MeSH D030342.

Allele frequency attached by ClinVar (database versions not stated): gnomAD exomes 0.00001.
gnomAD v4.1: 9 of 1,614,216 alleles (0.00056%); highest among the groups gnomAD compares: South Asian, 0.0011%; no homozygotes.

Submissions (2):

Ambry Genetics
Classification: Likely benign for Inborn genetic diseases. Last evaluated: 2025-06-03. Review status: criteria provided, single submitter. Criteria: Ambry Variant Classification Scheme 2023. Collection method: clinical testing. Allele origin: germline.

Labcorp Genetics (formerly Invitae), Labcorp
Classification: Uncertain significance. Last evaluated: 2024-08-06. Review status: criteria provided, single submitter. Criteria: Invitae Variant Classification Sherloc (09022015). Collection method: clinical testing. Allele origin: germline.
Comment: This sequence change replaces alanine, which is neutral and non-polar, with glutamic acid, which is acidic and polar, at codon 73 of the ADGRG1 protein (p.Ala73Glu). This variant is not present in population databases (gnomAD no frequency). This variant has not been reported in the literature in individuals affected with ADGRG1-related conditions. ClinVar contains an entry for this variant (Variation ID: 2146643). Advanced modeling of protein sequence and biophysical properties (such as structural, functional, and spatial information, amino acid conservation, physicochemical variation, residue mobility, and thermodynamic stability) performed at Invitae indicates that this missense variant is not expected to disrupt ADGRG1 protein function with a negative predictive value of 95%. In summary, the available evidence is currently insufficient to determine the role of this variant in disease. Therefore, it has been classified as a Variant of Uncertain Significance.

NM_201525.4(ADGRG1):c.218C>A (p.Ala73Glu)

Gene: ADGRG1 (adhesion G protein-coupled receptor G1; plus strand). Cytogenetic location: 16q21.
Variant type: single nucleotide variant.
Coding change: c.218C>A on transcript NM_201525.4 (MANE Select); coding-DNA position 218, C replaced by A.
Protein change: p.Ala73Glu; replaces alanine 73 with glutamic acid.
Molecular consequence: missense variant. On other transcripts: 5 prime UTR variant (5), intron variant (2).
Genome position (GRCh38, 1-based): chr16:57,651,353, C>A. VCF-style: chr16-57651353-C-A. GRCh37 (hg19) VCF-style: chr16-57685265-C-A.
Other names: c.218C>A (NM_005682.5); c.218C>A, p.Ala73Glu (NM_001145770.3, NM_001145771.3, NM_001145772.3 and 16 more transcripts); c.233C>A, p.Ala78Glu (NM_001145773.3, NM_001370433.1); c.-308C>A (NM_001290143.2, NM_001290144.2, NM_001370451.1 and 2 more transcripts); c.110+108C>A (NM_001290142.2); c.65-3C>A (NM_001370442.1); short protein forms A73E, A78E.
Identifiers: ClinVar variation 2146643 (VCV002146643.4), dbSNP rs2545106554, ClinGen allele CA396042452.
Genomic context (GRCh38, chr16:57,651,353, plus strand): 5'-ACCTGCGCATCTCCATCGAGAACTCCGAAGAGGCCCTCACAGTCCATGCCCCTTTCCCTG[C>A]AGCCCACCCTGCTTCCCGATCCTTCCCTGACCCCAGGGGCCTCTACCACTTCTGCCTCTA-3'
Protein context (NP_958933.1, residues 63-83): EALTVHAPFP[Ala73Glu]AHPASRSFPD